The following is an entry in ClinVar:

NM_005477.3(HCN4):c.767A>G (p.His256Arg)

Gene: HCN4 (hyperpolarization activated cyclic nucleotide gated potassium channel 4; minus strand). Cytogenetic location: 15q24.1.
Variant type: single nucleotide variant.
Coding change: c.767A>G on transcript NM_005477.3 (MANE Select); coding-DNA position 767, A replaced by G.
Protein change: p.His256Arg; replaces histidine 256 with arginine.
Molecular consequence: missense variant.
Genome position (GRCh38, 1-based): chr15:73,367,504, T>C on the plus strand (A>G on the coding strand, the complement: HCN4 is on the minus strand). VCF-style: chr15-73367504-T-C. GRCh37 (hg19) VCF-style: chr15-73659845-T-C.
Other names: short protein forms H256R.
Identifiers: ClinVar variation 1760096 (VCV001760096.3), dbSNP rs2549080079, ClinGen allele CA393096982.

ClinVar aggregate classification (germline): Uncertain significance. Review status: criteria provided, multiple submitters, no conflicts (2 of 4 stars). 2 submissions from 2 submitters: Uncertain significance (2). Last evaluated 2024-03-09.

Conditions:
Cardiovascular phenotype. Identifiers: MedGen CN230736.

Submissions (2):

GeneDx
Classification: Uncertain significance. Last evaluated: 2024-03-09. Review status: criteria provided, single submitter. Criteria: GeneDx Variant Classification Process June 2021. Collection method: clinical testing. Allele origin: germline. Affected: yes.
Comment: Not observed at significant frequency in large population cohorts (gnomAD); In silico analysis supports that this missense variant has a deleterious effect on protein structure/function; Has not been previously published as pathogenic or benign to our knowledge

Ambry Genetics
Classification: Uncertain significance for Cardiovascular phenotype. Last evaluated: 2021-06-23. Review status: criteria provided, single submitter. Criteria: Ambry Variant Classification Scheme 2023. Collection method: clinical testing. Allele origin: germline.
Comment: The p.H256R variant (also known as c.767A>G), located in coding exon 1 of the HCN4 gene, results from an A to G substitution at nucleotide position 767. The histidine at codon 256 is replaced by arginine, an amino acid with highly similar properties. This amino acid position is conserved. In addition, this alteration is predicted to be deleterious by in silico analysis. Since supporting evidence is limited at this time, the clinical significance of this alteration remains unclear.